The following is an entry in ClinVar:

ClinVar aggregate classification (germline): Pathogenic (1 of 4 stars; one submission).

Conditions:
VPS13A-related neurodegenerative disease. Also called: ACANTHOCYTOSIS WITH NEUROLOGIC DISORDER; LEVINE-CRITCHLEY SYNDROME; Choreoacanthocytosis; Chorea-acanthocytosis; Choreaacanthocytosis; VPS13A Disease. Identifiers: Orphanet 2388, MedGen C0393576, MONDO:0008695, OMIM 200150.

Submission:

Myriad Genetics, Inc.
Classification: Pathogenic for VPS13A-related neurodegenerative disease. Last evaluated: 2026-09-01. Review status: criteria provided, single submitter. Criteria: Myriad Autosomal Dominant, Autosomal Recessive and X-Linked Classification Criteria (2023). Collection method: clinical testing. Allele origin: unknown.
Comment: NM_033305.2(VPS13A):c.1646C>G(S549*) is expected to be pathogenic in the context of VPS13A disease. This variant is predicted to lead to an abnormal or absent protein product due to the creation of a premature termination codon in VPS13A, a gene where loss-of-function variants are known to be pathogenic. Please note: this variant was assessed in the context of healthy population screening.

NM_033305.3(VPS13A):c.1646C>G (p.Ser549Ter)

Gene: VPS13A (vacuolar protein sorting 13 homolog A; plus strand). Cytogenetic location: 9q21.2.
Variant type: single nucleotide variant.
Coding change: c.1646C>G on transcript NM_033305.3 (MANE Select); coding-DNA position 1646, C replaced by G.
Protein change: p.Ser549Ter; replaces serine 549 with a stop codon.
Molecular consequence: nonsense.
Genome position (GRCh38, 1-based): chr9:77,238,052, C>G. VCF-style: chr9-77238052-C-G. GRCh37 (hg19) VCF-style: chr9-79852968-C-G.
Other names: c.1646C>G, p.Ser549Ter (NM_001018037.2, NM_001018038.3, NM_015186.4); short protein forms S549*.
Identifiers: ClinVar variation 5016308 (VCV005016308.1).